The following is an entry in ClinVar:

ClinVar aggregate classification (germline): Uncertain significance. Review status: criteria provided, multiple submitters, no conflicts (2 of 4 stars). 2 submissions from 2 submitters: Uncertain significance (2). Last evaluated 2024-01-16.

Conditions:
Shprintzen-Goldberg syndrome (SGS). Also called: Marfanoid disorder with craniosynostosis type 1; Marfanoid craniosynostosis syndrome; Shprintzen-Goldberg marfanoid syndrome; SHPRINTZEN-GOLDBERG CRANIOSYNOSTOSIS SYNDROME; CRANIOSYNOSTOSIS WITH ARACHNODACTYLY AND ABDOMINAL HERNIAS. Identifiers: Orphanet 2462, MedGen C1321551, MONDO:0008426, OMIM 182212.
Familial thoracic aortic aneurysm and aortic dissection (TAAD). Also called: Thoracic aortic aneurysms and dissections. Identifiers: Orphanet 91387, MedGen C4707243, MONDO:0019625.

Allele frequency attached by ClinVar (database versions not stated): gnomAD 0.00001; TOPMed 0.00001.
gnomAD v4.1: 13 of 1,610,476 alleles (0.00081%); highest among the groups gnomAD compares: Non-Finnish European, 0.0011%; no homozygotes.

Submissions (2):

Labcorp Genetics (formerly Invitae), Labcorp
Classification: Uncertain significance for Shprintzen-Goldberg syndrome. Last evaluated: 2024-01-16. Review status: criteria provided, single submitter. Criteria: Invitae Variant Classification Sherloc (09022015). Collection method: clinical testing. Allele origin: germline.
Comment: This sequence change replaces glutamic acid, which is acidic and polar, with aspartic acid, which is acidic and polar, at codon 145 of the SKI protein (p.Glu145Asp). This variant is not present in population databases (gnomAD no frequency). This variant has not been reported in the literature in individuals affected with SKI-related conditions. ClinVar contains an entry for this variant (Variation ID: 1482394). Advanced modeling of protein sequence and biophysical properties (such as structural, functional, and spatial information, amino acid conservation, physicochemical variation, residue mobility, and thermodynamic stability) performed at Invitae indicates that this missense variant is not expected to disrupt SKI protein function with a negative predictive value of 95%. In summary, the available evidence is currently insufficient to determine the role of this variant in disease. Therefore, it has been classified as a Variant of Uncertain Significance.

Ambry Genetics
Classification: Uncertain significance for Familial thoracic aortic aneurysm and aortic dissection. Last evaluated: 2021-08-10. Review status: criteria provided, single submitter. Criteria: Ambry Variant Classification Scheme 2023. Collection method: clinical testing. Allele origin: germline.
Comment: The p.E145D variant (also known as c.435G>C), located in coding exon 1 of the SKI gene, results from a G to C substitution at nucleotide position 435. The glutamic acid at codon 145 is replaced by aspartic acid, an amino acid with highly similar properties. This amino acid position is conserved. In addition, this alteration is predicted to be tolerated by in silico analysis. Since supporting evidence is limited at this time, the clinical significance of this alteration remains unclear.

NM_003036.4(SKI):c.435G>C (p.Glu145Asp)

Gene: SKI (SKI proto-oncogene; plus strand). Cytogenetic location: 1p36.33.
Variant type: single nucleotide variant.
Coding change: c.435G>C on transcript NM_003036.4 (MANE Select); coding-DNA position 435, G replaced by C.
Protein change: p.Glu145Asp; replaces glutamic acid 145 with aspartic acid.
Molecular consequence: missense variant.
Genome position (GRCh38, 1-based): chr1:2,229,201, G>C. VCF-style: chr1-2229201-G-C. GRCh37 (hg19) VCF-style: chr1-2160640-G-C.
Other names: short protein forms E145D.
Identifiers: ClinVar variation 1482394 (VCV001482394.10), dbSNP rs1221007732, ClinGen allele CA337953256.